The following is an entry in ClinVar:

NM_012144.4(DNAI1):c.1339_1345del (p.Gln447fs)

Gene: DNAI1 (dynein axonemal intermediate chain 1; plus strand). Cytogenetic location: 9p13.3.
Variant type: Deletion.
Coding change: c.1339_1345del on transcript NM_012144.4 (MANE Select); coding-DNA positions 1339 to 1345, 7 bases deleted (CAAAACC; older notation c.1339_1345delCAAAACC).
Protein change: p.Gln447fs; shifts the reading frame from glutamine 447.
Molecular consequence: frameshift variant.
Genome position (GRCh38, 1-based): chr9:34,512,136-34,512,142, CAAAACC deleted; deleting any 7 consecutive bases within chr9:34,512,135-34,512,142 gives the same sequence; the c. name uses the placement nearest the transcript's 3' end. VCF-style (leftmost placement, unchanged base first): chr9-34512134-ACCAAAAC-A. GRCh37 (hg19) VCF-style: chr9-34512132-ACCAAAAC-A.
Other names: Gln447Leufs*18; c.1351_1357del, p.Gln451fs (NM_001281428.2); short protein forms Q447fs, Q451fs.
Identifiers: ClinVar variation 4795790 (VCV004795790.1), dbSNP rs2132081316.

ClinVar aggregate classification (germline): Likely pathogenic (1 of 4 stars; one submission).

Conditions:
Kartagener syndrome (CILD1). Also called: SIEWERT SYNDROME; CILIARY DYSKINESIA, PRIMARY, 1; CILIARY DYSKINESIA, PRIMARY, 1, WITH OR WITHOUT SITUS INVERSUS; IMMOTILE CILIA SYNDROME; POLYNESIAN BRONCHIECTASIS; Dextrocardia bronchiectasis and sinusitis. Identifiers: Orphanet 244, MedGen C4551906, MONDO:0009484, OMIM 244400.

Submission:

Coskunpinar Laboratory, Saglik Bilimleri University, Hamidiye School of Medicine
Classification: Likely pathogenic for Kartagener syndrome. Last evaluated: 2026-02-02. Review status: criteria provided, single submitter. Criteria: ACMG Guidelines, 2015. Collection method: research. Allele origin: germline. Affected: yes. Observed: 2 variant alleles, 2 homozygotes.
Comment: Detected on the same allele with NM_012144.4:c.1334_1335delTGinsCTT. Although this downstream variant is not expected to have an additional protein-level effect in the two patients observed due to the upstream premature stop codon, it would be predicted to cause a frameshift and premature termination in an established primary ciliary dyskinesia disease gene (OMIM:244400) if present independently. Classification is consistent with Qiagen Clinical Insight Interpret assessment which implements ACMG/AMP variant interpretation guidelines.